The following is an entry in ClinVar:

ClinVar aggregate classification (germline): Uncertain significance (1 of 4 stars; one submission).

Conditions:
Idiopathic generalized epilepsy. Also called: EIG; Generalised epilepsy. Identifiers: MedGen C0270850, MONDO:0005579, OMIM 600669.
Hyperaldosteronism, familial, type IV (HALD4). Also called: FH IV; ALDOSTERONISM, PRIMARY, AND HYPERTENSION. Identifiers: Orphanet 642671, MedGen C4310756, MONDO:0014875, OMIM 617027.

gnomAD v4.1: 2 of 1,613,274 alleles (0.00012%); highest among the groups gnomAD compares: Non-Finnish European, 0.00017%; no homozygotes.

Submission:

Labcorp Genetics (formerly Invitae), Labcorp
Classification: Uncertain significance for Idiopathic generalized epilepsy; Hyperaldosteronism, familial, type IV. Last evaluated: 2024-08-13. Review status: criteria provided, single submitter. Criteria: Invitae Variant Classification Sherloc (09022015). Collection method: clinical testing. Allele origin: germline.
Comment: This sequence change replaces threonine, which is neutral and polar, with isoleucine, which is neutral and non-polar, at codon 1000 of the CACNA1H protein (p.Thr1000Ile). This variant is not present in population databases (gnomAD no frequency). This variant has not been reported in the literature in individuals affected with CACNA1H-related conditions. Advanced modeling of protein sequence and biophysical properties (such as structural, functional, and spatial information, amino acid conservation, physicochemical variation, residue mobility, and thermodynamic stability) performed at Invitae indicates that this missense variant is expected to disrupt CACNA1H protein function with a positive predictive value of 80%. In summary, the available evidence is currently insufficient to determine the role of this variant in disease. Therefore, it has been classified as a Variant of Uncertain Significance.

NM_021098.3(CACNA1H):c.2999C>T (p.Thr1000Ile)

Gene: CACNA1H (calcium voltage-gated channel subunit alpha1 H; plus strand). Cytogenetic location: 16p13.3.
Variant type: single nucleotide variant.
Coding change: c.2999C>T on transcript NM_021098.3 (MANE Select); coding-DNA position 2999, C replaced by T.
Protein change: p.Thr1000Ile; replaces threonine 1000 with isoleucine.
Molecular consequence: missense variant.
Genome position (GRCh38, 1-based): chr16:1,207,366, C>T. VCF-style: chr16-1207366-C-T. GRCh37 (hg19) VCF-style: chr16-1257366-C-T.
Other names: c.2999C>T, p.Thr1000Ile (NM_001005407.2); short protein forms T1000I.
Identifiers: ClinVar variation 3749657 (VCV003749657.2).
Genomic context (GRCh38, chr16:1,207,366, plus strand): 5'-TGTACAACGGCATGGCCTCCACCTCCTCCTGGGCCGCCCTCTACTTCGTGGCCCTCATGA[C>T]CTTCGGCAACTATGTGCTCTTCAACCTGCTGGTGGCCATCCTCGTGGAGGGCTTCCAGGC-3'
Protein context (NP_066921.2, residues 990-1010): WAALYFVALM[Thr1000Ile]FGNYVLFNLL